The following is an entry in ClinVar:

NM_006739.4(MCM5):c.982C>T (p.Leu328Phe)

Gene: MCM5 (minichromosome maintenance complex component 5; plus strand). Cytogenetic location: 22q12.3.
Variant type: single nucleotide variant.
Coding change: c.982C>T on transcript NM_006739.4 (MANE Select); coding-DNA position 982, C replaced by T.
Protein change: p.Leu328Phe; replaces leucine 328 with phenylalanine.
Molecular consequence: missense variant.
Genome position (GRCh38, 1-based): chr22:35,412,572, C>T. VCF-style: chr22-35412572-C-T. GRCh37 (hg19) VCF-style: chr22-35808565-C-T.
Other names: short protein forms L328F.
Identifiers: ClinVar variation 2964547 (VCV002964547.3), dbSNP rs1181915227, ClinGen allele CA411344263.

ClinVar aggregate classification (germline): Uncertain significance (1 of 4 stars; one submission).

Submission:

Labcorp Genetics (formerly Invitae), Labcorp
Classification: Uncertain significance. Last evaluated: 2024-04-10. Review status: criteria provided, single submitter. Criteria: Invitae Variant Classification Sherloc (09022015). Collection method: clinical testing. Allele origin: germline.
Comment: This sequence change replaces leucine, which is neutral and non-polar, with phenylalanine, which is neutral and non-polar, at codon 328 of the MCM5 protein (p.Leu328Phe). This variant is not present in population databases (gnomAD no frequency). This variant has not been reported in the literature in individuals affected with MCM5-related conditions. Advanced modeling of protein sequence and biophysical properties (such as structural, functional, and spatial information, amino acid conservation, physicochemical variation, residue mobility, and thermodynamic stability) performed at Invitae indicates that this missense variant is not expected to disrupt MCM5 protein function with a negative predictive value of 80%. In summary, the available evidence is currently insufficient to determine the role of this variant in disease. Therefore, it has been classified as a Variant of Uncertain Significance.